The following is an entry in ClinVar:

ClinVar aggregate classification (germline): Uncertain significance (1 of 4 stars; one submission).

Submission:

Labcorp Genetics (formerly Invitae), Labcorp
Classification: Uncertain significance. Last evaluated: 2022-02-06. Review status: criteria provided, single submitter. Criteria: Invitae Variant Classification Sherloc (09022015). Collection method: clinical testing. Allele origin: germline.
Comment: Algorithms developed to predict the effect of missense changes on protein structure and function output the following: SIFT: "Tolerated"; PolyPhen-2: "Benign"; Align-GVGD: "Class C0". The threonine amino acid residue is found in multiple mammalian species, which suggests that this missense change does not adversely affect protein function. This sequence change replaces serine, which is neutral and polar, with threonine, which is neutral and polar, at codon 1151 of the ASXL1 protein (p.Ser1151Thr). This variant is not present in population databases (gnomAD no frequency). This variant has not been reported in the literature in individuals affected with ASXL1-related conditions. In summary, the available evidence is currently insufficient to determine the role of this variant in disease. Therefore, it has been classified as a Variant of Uncertain Significance.

NM_015338.6(ASXL1):c.3451T>A (p.Ser1151Thr)

Gene: ASXL1 (ASXL transcriptional regulator 1; plus strand). Cytogenetic location: 20q11.21.
Variant type: single nucleotide variant.
Coding change: c.3451T>A on transcript NM_015338.6 (MANE Select); coding-DNA position 3451, T replaced by A.
Protein change: p.Ser1151Thr; replaces serine 1151 with threonine.
Molecular consequence: missense variant.
Genome position (GRCh38, 1-based): chr20:32,436,163, T>A. VCF-style: chr20-32436163-T-A. GRCh37 (hg19) VCF-style: chr20-31023966-T-A.
Other names: c.3268T>A, p.Ser1090Thr (NM_001363734.1); short protein forms S1090T, S1151T.
Identifiers: ClinVar variation 2094028 (VCV002094028.4), dbSNP rs2515580727, ClinGen allele CA408563084.
Genomic context (GRCh38, chr20:32,436,163, plus strand): 5'-TCAGAATCCCCACAAGTACCACTTACAAAAGACCAGAGCCATGGCTCGCTACGCATGGGA[T>A]CTTTACATGGTCTTGGAAAAAACAGTGGCATGGTTGATGGAAGCAGCCCCAGTTCTTTAA-3'
Protein context (NP_056153.2, residues 1141-1161): DQSHGSLRMG[Ser1151Thr]LHGLGKNSGM